The following is an entry in ClinVar:

NM_002382.5(MAX):c.397G>A (p.Ala133Thr)

Gene: MAX (MYC associated transcriptional regulator X; minus strand). Cytogenetic location: 14q23.3.
Variant type: single nucleotide variant.
Coding change: c.397G>A on transcript NM_002382.5 (MANE Select); coding-DNA position 397, G replaced by A.
Protein change: p.Ala133Thr; replaces alanine 133 with threonine.
Molecular consequence: missense variant. On other transcripts: 3 prime UTR variant (1), intron variant (2).
Genome position (GRCh38, 1-based): chr14:65,076,562, C>T on the plus strand (G>A on the coding strand, the complement: MAX is on the minus strand). VCF-style: chr14-65076562-C-T. GRCh37 (hg19) VCF-style: chr14-65543280-C-T.
Other names: c.208G>A, p.Ala70Thr (NM_001320415.2, NM_001407105.1, NM_001407106.1 and 1 more transcripts); c.397G>A, p.Ala133Thr (NM_001407094.1); c.370G>A, p.Ala124Thr (NM_001407095.1, NM_145112.3); c.*170G>A (NM_001407096.1, NM_001407099.1, NM_001407102.1 and 2 more transcripts); c.*186G>A (NM_001407097.1, NM_001407100.1, NM_001407101.1 and 4 more transcripts); c.289G>A, p.Ala97Thr (NM_001407098.1); c.196G>A, p.Ala66Thr (NM_001407111.1, NM_001407112.1); c.144+17146G>A (NM_001271069.2); and 1 more; short protein forms A133T, A124T, A70T, A97T, A66T.
Identifiers: ClinVar variation 239151 (VCV000239151.24), dbSNP rs750459929, ClinGen allele CA7232798.
Genomic context (GRCh38, chr14:65,076,562, plus strand): 5'-TCCTGCTTTGGGGCTCTTCAGGCTCAGACTCCGAGCTGGAGTCCGAGCCCCCATCGAAGG[C>T]AGAGATGGTGCTGCCCTTGGCGTTGGTGTAGAGGCTGTTGTCTGAGGAGGGGTAGTTGGT-3'
Protein context (NP_002373.3, residues 123-143): YTNAKGSTIS[Ala133Thr]FDGGSDSSSE

ClinVar aggregate classification (germline): Conflicting classifications of pathogenicity. Review status: criteria provided, conflicting classifications (1 of 4 stars). 7 submissions from 7 submitters: Uncertain significance (6); Likely benign (1). Last evaluated 2025-12-01.

Conditions:
MAX-related disorder. Also called: MAX-related condition.
Hereditary cancer-predisposing syndrome. Also called: Neoplastic Syndromes, Hereditary; Hereditary neoplastic syndrome; Hereditary Cancer Syndrome; Tumor predisposition. Identifiers: Orphanet 140162, MedGen C0027672, MeSH D009386, MONDO:0015356.
Retinoblastoma (RB1). Also called: RETINOBLASTOMA, SOMATIC. Identifiers: Orphanet 790, MedGen C0035335, MeSH D012175, MONDO:0008380, OMIM 180200, HP:0009919. Disease mechanism: loss of function. Inheritance: Both sporadic and heritable forms are tested..
Hereditary pheochromocytoma and paraganglioma. Also called: Hereditary Paraganglioma-Pheochromocytoma Syndromes; Hereditary pheochromocytoma-paraganglioma; Hereditary paragangliomas and pheochromocytomas. Identifiers: Orphanet 29072, MedGen C4274332, MONDO:0017366.
Pheochromocytoma. Also called: MAX-Related Hereditary Paraganglioma-Pheochromocytoma Syndrome. Identifiers: Orphanet 29072, MedGen C0031511, MONDO:0008233, OMIM 171300, HP:0002666.

Allele frequency attached by ClinVar (database versions not stated): ExAC 0.00003; gnomAD 0.00003 and 0.00002; TOPMed 0.00003; gnomAD exomes 0.00005 and 0.00002.
gnomAD v4.1: 76 of 1,614,028 alleles (0.0047%); highest among the groups gnomAD compares: Non-Finnish European, 0.0061%; no homozygotes.

Submissions (7):

PreventionGenetics, part of Exact Sciences
Classification: Uncertain significance for MAX-related condition. Last evaluated: 2025-12-01. Review status: criteria provided, single submitter. Criteria: ACMG Guidelines, 2015. Collection method: clinical testing. Allele origin: germline.
Comment: The MAX c.397G>A variant is predicted to result in the amino acid substitution p.Ala133Thr. To our knowledge, this variant has not been reported in the literature. This variant is reported in 0.0035% of alleles in individuals of European (Non-Finnish) descent in gnomAD. This variant has conflicting interpretations in ClinVar ranging from uncertain to likely benign (Variation ID: 239151). At this time, the clinical significance of this variant is uncertain due to the absence of conclusive functional and genetic evidence.

Labcorp Genetics (formerly Invitae), Labcorp
Classification: Uncertain significance for Hereditary pheochromocytoma and paraganglioma. Last evaluated: 2025-11-18. Review status: criteria provided, single submitter. Criteria: Invitae Variant Classification Sherloc (09022015). Collection method: clinical testing. Allele origin: germline.
Comment: This sequence change replaces alanine, which is neutral and non-polar, with threonine, which is neutral and polar, at codon 133 of the MAX protein (p.Ala133Thr). This variant is present in population databases (rs750459929, gnomAD 0.004%). This variant has not been reported in the literature in individuals affected with MAX-related conditions. ClinVar contains an entry for this variant (Variation ID: 239151). Invitae Evidence Modeling incorporating data from in vitro experimental studies (internal data) indicates that this missense variant is not expected to disrupt MAX function with a negative predictive value of 95%. In summary, the available evidence is currently insufficient to determine the role of this variant in disease. Therefore, it has been classified as a Variant of Uncertain Significance.

Ambry Genetics
Classification: Uncertain significance for Hereditary cancer-predisposing syndrome. Last evaluated: 2025-08-26. Review status: criteria provided, single submitter. Criteria: Ambry Variant Classification Scheme 2023. Collection method: clinical testing. Allele origin: germline.
Comment: The p.A133T variant (also known as c.397G>A), located in coding exon 5 of the MAX gene, results from a G to A substitution at nucleotide position 397. The alanine at codon 133 is replaced by threonine, an amino acid with similar properties. This amino acid position is highly conserved in available vertebrate species. In addition, this alteration is predicted to be deleterious by in silico analysis. Since supporting evidence is limited at this time, the clinical significance of this alteration remains unclear.

GeneDx
Classification: Uncertain significance. Last evaluated: 2025-05-14. Review status: criteria provided, single submitter. Criteria: GeneDx Variant Classification Process June 2021. Collection method: clinical testing. Allele origin: germline. Affected: yes.
Comment: Not observed at significant frequency in large population cohorts (gnomAD); In silico analysis supports that this missense variant has a deleterious effect on protein structure/function; Has not been previously published as pathogenic or benign to our knowledge

Baylor Genetics
Classification: Uncertain significance for Pheochromocytoma. Last evaluated: 2023-10-25. Review status: criteria provided, single submitter. Criteria: ACMG Guidelines, 2015. Collection method: clinical testing. Allele origin: unknown.

Illumina Laboratory Services, Illumina
Classification: Likely benign for Pheochromocytoma. Last evaluated: 2017-06-05. Review status: criteria provided, single submitter. Criteria: ICSL Variant Classification Criteria 13 December 2019. Collection method: clinical testing. Allele origin: germline.
Comment: This variant was observed as part of a predisposition screen in an ostensibly healthy population. A literature search was performed for the gene, cDNA change, and amino acid change (where applicable). No publications were found based on this search. Allele frequency data from public databases allowed determination this variant is unlikely to cause disease. Therefore, this variant is classified as likely benign.

St. Jude Molecular Pathology, St. Jude Children's Research Hospital
Classification: Uncertain significance for Retinoblastoma. Last evaluated: 2017-04-03. Review status: criteria provided, single submitter. Criteria: ACMG Guidelines, 2015. Collection method: clinical testing. Allele origin: germline. Affected: yes.